The following is an entry in ClinVar:

ClinVar aggregate classification (germline): Uncertain significance. Review status: criteria provided, multiple submitters, no conflicts (2 of 4 stars). 3 submissions from 3 submitters: Uncertain significance (3). Last evaluated 2026-01-11.

Conditions:
Familial thoracic aortic aneurysm and aortic dissection (TAAD). Also called: Thoracic aortic aneurysms and dissections. Identifiers: Orphanet 91387, MedGen C4707243, MONDO:0019625.
Aortic aneurysm, familial thoracic 7 (AAT7). Also called: AORTIC DISSECTION, FAMILIAL, WITH OR WITHOUT AORTIC ANEURYSM. Identifiers: MedGen C3151077, MONDO:0013418, OMIM 613780.

Submissions (3):

Labcorp Genetics (formerly Invitae), Labcorp
Classification: Uncertain significance for Aortic aneurysm, familial thoracic 7. Last evaluated: 2026-01-11. Review status: criteria provided, single submitter. Criteria: Invitae Variant Classification Sherloc (09022015). Collection method: clinical testing. Allele origin: germline.
Comment: This sequence change replaces tryptophan, which is neutral and slightly polar, with serine, which is neutral and polar, at codon 447 of the MYLK protein (p.Trp447Ser). This variant is not present in population databases (gnomAD no frequency). This variant has not been reported in the literature in individuals affected with MYLK-related conditions. ClinVar contains an entry for this variant (Variation ID: 287149). An algorithm developed to predict the effect of missense changes on protein structure and function (PolyPhen-2) suggests that this variant is likely to be tolerated. In summary, the available evidence is currently insufficient to determine the role of this variant in disease. Therefore, it has been classified as a Variant of Uncertain Significance.

Ambry Genetics
Classification: Uncertain significance for Familial thoracic aortic aneurysm and aortic dissection. Last evaluated: 2023-12-01. Review status: criteria provided, single submitter. Criteria: Ambry Variant Classification Scheme 2023. Collection method: clinical testing. Allele origin: germline.
Comment: The p.W447S variant (also known as c.1340G>C), located in coding exon 8 of the MYLK gene, results from a G to C substitution at nucleotide position 1340. The tryptophan at codon 447 is replaced by serine, an amino acid with highly dissimilar properties. This amino acid position is conserved. In addition, this alteration is predicted to be deleterious by in silico analysis. Since supporting evidence is limited at this time, the clinical significance of this alteration remains unclear.

Eurofins Ntd Llc (ga)
Classification: Uncertain significance. Last evaluated: 2016-04-27. Review status: criteria provided, single submitter. Criteria: EGL Classification Definitions 2015. Collection method: clinical testing. Allele origin: germline. Observed: 1 variant allele, 1 heterozygote.

NM_053025.4(MYLK):c.1340G>C (p.Trp447Ser)

Gene: MYLK (myosin light chain kinase; minus strand). Cytogenetic location: 3q21.1.
Variant type: single nucleotide variant.
Coding change: c.1340G>C on transcript NM_053025.4 (MANE Select); coding-DNA position 1340, G replaced by C.
Protein change: p.Trp447Ser; replaces tryptophan 447 with serine.
Molecular consequence: missense variant. On other transcripts: intron variant (2).
Genome position (GRCh38, 1-based): chr3:123,733,072, C>G on the plus strand (G>C on the coding strand, the complement: MYLK is on the minus strand). VCF-style: chr3-123733072-C-G. GRCh37 (hg19) VCF-style: chr3-123451919-C-G.
Other names: c.812G>C, p.Trp271Ser (NM_001321309.2); c.1340G>C, p.Trp447Ser (NM_053027.4); c.1309+615G>C (NM_053028.4, NM_053026.4); c.1340G>C (NM_053025.3); short protein forms W447S, W271S.
Identifiers: ClinVar variation 287149 (VCV000287149.7), dbSNP rs886043581, ClinGen allele CA10605684.